The following is an entry in ClinVar:

ClinVar aggregate classification (germline): Conflicting classifications of pathogenicity. Review status: criteria provided, conflicting classifications (1 of 4 stars). 5 submissions from 5 submitters: Uncertain significance (3); Likely benign (2). Last evaluated 2026-09-14.

Conditions:
PDGFRA-related disorder. Also called: PDGFRA-related condition.
Polyps, multiple and recurrent inflammatory fibroid, gastrointestinal. Identifiers: MedGen C5193005, MONDO:0008285, OMIM 175510.
Hereditary cancer-predisposing syndrome. Also called: Tumor predisposition; Hereditary neoplastic syndrome; Neoplastic Syndromes, Hereditary; Hereditary Cancer Syndrome. Identifiers: Orphanet 140162, MedGen C0027672, MeSH D009386, MONDO:0015356.
Gastrointestinal stromal tumor. Also called: Gastrointestinal stromal tumor, somatic; Gastrointestinal stroma tumor. Identifiers: Orphanet 44890, MedGen C0238198, MeSH D046152, MONDO:0011719, OMIM 606764, HP:0100723.

Allele frequency attached by ClinVar (database versions not stated): TOPMed 0.00003; ExAC 0.00008.
gnomAD v4.1: 39 of 1,614,072 alleles (0.0024%); highest among the groups gnomAD compares: Non-Finnish European, 0.0029%; no homozygotes.

Submissions (5):

PreventionGenetics, part of Exact Sciences
Classification: Uncertain significance for PDGFRA-related condition. Last evaluated: 2026-09-14. Review status: criteria provided, single submitter. Criteria: ACMG Guidelines, 2015. Collection method: clinical testing. Allele origin: germline.
Comment: The PDGFRA c.1411A>C variant is predicted to result in the amino acid substitution p.Asn471His. To our knowledge, this variant has not been reported in the literature. This variant is reported in 0.012% of alleles in individuals of European (Non-Finnish) descent in gnomAD and has conflicting interpretations in ClinVar ranging from likely benign to uncertain (Variation ID: 458998). Although we suspect that this variant may be benign, at this time, the clinical significance of this variant is uncertain due to the absence of conclusive functional and genetic evidence.

Myriad Genetics, Inc.
Classification: Likely benign for Polyps, multiple and recurrent inflammatory fibroid, gastrointestinal. Last evaluated: 2026-06-15. Review status: criteria provided, single submitter. Criteria: Myriad Autosomal Dominant, Autosomal Recessive and X-Linked Classification Criteria (2023). Collection method: clinical testing. Allele origin: unknown.
Comment: This variant is considered likely benign. This variant has been observed at a population frequency that is significantly greater than expected given the associated disease prevalence and penetrance.

Labcorp Genetics (formerly Invitae), Labcorp
Classification: Uncertain significance for Gastrointestinal stromal tumor. Last evaluated: 2026-01-14. Review status: criteria provided, single submitter. Criteria: Invitae Variant Classification Sherloc (09022015). Collection method: clinical testing. Allele origin: germline.
Comment: This sequence change replaces asparagine, which is neutral and polar, with histidine, which is basic and polar, at codon 471 of the PDGFRA protein (p.Asn471His). This variant is present in population databases (rs758497476, gnomAD 0.01%). This variant has not been reported in the literature in individuals affected with PDGFRA-related conditions. ClinVar contains an entry for this variant (Variation ID: 458998). An algorithm developed to predict the effect of missense changes on protein structure and function (PolyPhen-2) suggests that this variant is likely to be disruptive. In summary, the available evidence is currently insufficient to determine the role of this variant in disease. Therefore, it has been classified as a Variant of Uncertain Significance.

GeneDx
Classification: Uncertain significance. Last evaluated: 2024-04-08. Review status: criteria provided, single submitter. Criteria: GeneDx Variant Classification Process June 2021. Collection method: clinical testing. Allele origin: germline. Affected: yes.
Comment: In silico analysis supports that this missense variant does not alter protein structure/function; Has not been previously published as pathogenic or benign to our knowledge

Ambry Genetics
Classification: Likely benign for Hereditary cancer-predisposing syndrome. Last evaluated: 2021-09-28. Review status: criteria provided, single submitter. Criteria: Ambry Variant Classification Scheme 2023. Collection method: clinical testing. Allele origin: germline.

NM_006206.6(PDGFRA):c.1411A>C (p.Asn471His)

Gene: PDGFRA (platelet derived growth factor receptor alpha; plus strand). Cytogenetic location: 4q12.
Variant type: single nucleotide variant.
Coding change: c.1411A>C on transcript NM_006206.6 (MANE Select); coding-DNA position 1411, A replaced by C.
Protein change: p.Asn471His; replaces asparagine 471 with histidine.
Molecular consequence: missense variant.
Genome position (GRCh38, 1-based): chr4:54,273,583, A>C. VCF-style: chr4-54273583-A-C. GRCh37 (hg19) VCF-style: chr4-55139750-A-C.
Other names: c.1411A>C, p.Asn471His (NM_001347827.2, NM_001347829.2); c.1486A>C, p.Asn496His (NM_001347828.2); c.1450A>C, p.Asn484His (NM_001347830.2); c.1411A>C (NM_006206.5); short protein forms N471H, N484H, N496H.
Identifiers: ClinVar variation 458998 (VCV000458998.26), dbSNP rs758497476, ClinGen allele CA2922558.
Genomic context (GRCh38, chr4:54,273,583, plus strand): 5'-CTTTTTCTCTCTAGATGTAATAATGAAACTTCCTGGACTATTTTGGCCAACAATGTCTCA[A>C]ACATCATCACGGAGATCCACTCCCGAGACAGGAGTACCGTGGAGGGCCGTGTGACTTTCG-3'
Protein context (NP_006197.1, residues 461-481): SWTILANNVS[Asn471His]IITEIHSRDR